The following is an entry in ClinVar:

NM_002519.3(NPAT):c.3427G>C (p.Glu1143Gln)

Gene: NPAT (nuclear protein, coactivator of histone transcription; minus strand). Cytogenetic location: 11q22.3.
Variant type: single nucleotide variant.
Coding change: c.3427G>C on transcript NM_002519.3 (MANE Select); coding-DNA position 3427, G replaced by C.
Protein change: p.Glu1143Gln; replaces glutamic acid 1143 with glutamine.
Molecular consequence: missense variant.
Genome position (GRCh38, 1-based): chr11:108,161,659, C>G on the plus strand (G>C on the coding strand, the complement: NPAT is on the minus strand). VCF-style: chr11-108161659-C-G. GRCh37 (hg19) VCF-style: chr11-108032386-C-G.
Other names: c.3448G>C, p.Glu1150Gln (NM_001321307.1); short protein forms E1143Q, E1150Q.
Identifiers: ClinVar variation 1731319 (VCV001731319.2), dbSNP rs2077851485, ClinGen allele CA382510837.

ClinVar aggregate classification (germline): Uncertain significance (1 of 4 stars; one submission).

gnomAD v4.1: 2 of 1,613,986 alleles (0.00012%); highest among the groups gnomAD compares: Non-Finnish European, 0.00017%; no homozygotes.

Submission:

Ambry Genetics
Classification: Uncertain significance. Last evaluated: 2021-08-13. Review status: criteria provided, single submitter. Criteria: Ambry Variant Classification Scheme 2023. Collection method: clinical testing. Allele origin: germline.
Comment: The p.E1143Q variant (also known as c.3427G>C), located in coding exon 17 of the NPAT gene, results from a G to C substitution at nucleotide position 3427. The glutamic acid at codon 1143 is replaced by glutamine, an amino acid with highly similar properties. This amino acid position is conserved. In addition, this alteration is predicted to be tolerated by in silico analysis. Since supporting evidence is limited at this time, the clinical significance of this alteration remains unclear.